The following is an entry in ClinVar:

ClinVar aggregate classification (germline): Uncertain significance (1 of 4 stars; one submission).

gnomAD v4.1: 30 of 1,613,810 alleles (0.0019%); highest among the groups gnomAD compares: Non-Finnish European, 0.0025%; no homozygotes.

Submission:

Labcorp Genetics (formerly Invitae), Labcorp
Classification: Uncertain significance. Last evaluated: 2024-10-23. Review status: criteria provided, single submitter. Criteria: Invitae Variant Classification Sherloc (09022015). Collection method: clinical testing. Allele origin: germline.
Comment: This sequence change replaces proline, which is neutral and non-polar, with glutamine, which is neutral and polar, at codon 1163 of the DMXL2 protein (p.Pro1163Gln). This variant is present in population databases (no rsID available, gnomAD 0.002%). This variant has not been reported in the literature in individuals affected with DMXL2-related conditions. ClinVar contains an entry for this variant (Variation ID: 1970528). An algorithm developed to predict the effect of missense changes on protein structure and function (PolyPhen-2) suggests that this variant is likely to be disruptive. In summary, the available evidence is currently insufficient to determine the role of this variant in disease. Therefore, it has been classified as a Variant of Uncertain Significance.

NM_001378457.1(DMXL2):c.3488C>A (p.Pro1163Gln)

Gene: DMXL2 (Dmx like 2; minus strand). Cytogenetic location: 15q21.2.
Variant type: single nucleotide variant.
Coding change: c.3488C>A on transcript NM_001378457.1 (MANE Select); coding-DNA position 3488, C replaced by A.
Protein change: p.Pro1163Gln; replaces proline 1163 with glutamine.
Molecular consequence: missense variant. On other transcripts: non-coding transcript variant (2), intron variant (2).
Genome position (GRCh38, 1-based): chr15:51,499,736, G>T on the plus strand (C>A on the coding strand, the complement: DMXL2 is on the minus strand). VCF-style: chr15-51499736-G-T. GRCh37 (hg19) VCF-style: chr15-51791933-G-T.
Other names: c.3488C>A, p.Pro1163Gln (NM_001174116.3, NM_001378458.1, NM_001378459.1 and 4 more transcripts); c.3248C>A, p.Pro1083Gln (NM_001378464.1); c.2764+7398C>A (NM_001378460.1); c.2765-4602C>A (NM_001174117.3); short protein forms P1083Q, P1163Q.
Identifiers: ClinVar variation 1970528 (VCV001970528.4), dbSNP rs770147032, ClinGen allele CA392435722.
Genomic context (GRCh38, chr15:51,499,736, plus strand): 5'-AGAATGTGGGAGCCATCTTCTTTTGATACCCAGTCCAAATGTACTAAATGTTTGATATTC[G>T]GAATAAGATATCTATCCTTGCTCAAGAGTGCATCTGACTTGCTATACACAAACAGATTAC-3'
Protein context (NP_001365386.1, residues 1153-1173): ALLSKDRYLI[Pro1163Gln]NIKHLVHLDW